The following is an entry in ClinVar:

NM_153676.4(USH1C):c.634G>A (p.Val212Ile)

Gene: USH1C (USH1 protein network component harmonin; minus strand). Cytogenetic location: 11p15.1.
Variant type: single nucleotide variant.
Coding change: c.634G>A on transcript NM_153676.4 (MANE Select); coding-DNA position 634, G replaced by A.
Protein change: p.Val212Ile; replaces valine 212 with isoleucine.
Molecular consequence: missense variant. On other transcripts: non-coding transcript variant (1).
Genome position (GRCh38, 1-based): chr11:17,526,387, C>T on the plus strand (G>A on the coding strand, the complement: USH1C is on the minus strand). VCF-style: chr11-17526387-C-T. GRCh37 (hg19) VCF-style: chr11-17547934-C-T.
Other names: c.634G>A, p.Val212Ile (NM_001297764.2, NM_005709.4); short protein forms V212I.
Identifiers: ClinVar variation 303812 (VCV000303812.12), dbSNP rs886048060, ClinGen allele CA10630482.

ClinVar aggregate classification (germline): Uncertain significance. Review status: criteria provided, multiple submitters, no conflicts (2 of 4 stars). 2 submissions from 2 submitters: Uncertain significance (2). Last evaluated 2022-11-01.

Conditions:
Usher syndrome type 1C. Also called: USHER SYNDROME, TYPE I, ACADIAN VARIETY. Identifiers: Orphanet 231169, Orphanet 886, MedGen C1848604, MONDO:0010171, OMIM 276904.

Submissions (2):

Labcorp Genetics (formerly Invitae), Labcorp
Classification: Uncertain significance. Last evaluated: 2022-11-01. Review status: criteria provided, single submitter. Criteria: Invitae Variant Classification Sherloc (09022015). Collection method: clinical testing. Allele origin: germline.
Comment: This variant is not present in population databases (gnomAD no frequency). This sequence change replaces valine, which is neutral and non-polar, with isoleucine, which is neutral and non-polar, at codon 212 of the USH1C protein (p.Val212Ile). This variant has not been reported in the literature in individuals affected with USH1C-related conditions. ClinVar contains an entry for this variant (Variation ID: 303812). Algorithms developed to predict the effect of missense changes on protein structure and function output the following: SIFT: "Deleterious"; PolyPhen-2: "Benign"; Align-GVGD: "Class C25". The isoleucine amino acid residue is found in multiple mammalian species, which suggests that this missense change does not adversely affect protein function. In summary, the available evidence is currently insufficient to determine the role of this variant in disease. Therefore, it has been classified as a Variant of Uncertain Significance.

Illumina Laboratory Services, Illumina
Classification: Uncertain significance for Usher syndrome type 1C. Last evaluated: 2018-01-13. Review status: criteria provided, single submitter. Criteria: ICSL Variant Classification Criteria 13 December 2019. Collection method: clinical testing. Allele origin: germline.